The following is an entry in ClinVar:

NM_000089.4(COL1A2):c.2642A>G (p.Glu881Gly)

Gene: COL1A2 (collagen type I alpha 2 chain; plus strand). Cytogenetic location: 7q21.3.
Variant type: single nucleotide variant.
Coding change: c.2642A>G on transcript NM_000089.4 (MANE Select); coding-DNA position 2642, A replaced by G.
Protein change: p.Glu881Gly; replaces glutamic acid 881 with glycine.
Molecular consequence: missense variant.
Genome position (GRCh38, 1-based): chr7:94,424,412, A>G. VCF-style: chr7-94424412-A-G. GRCh37 (hg19) VCF-style: chr7-94053724-A-G.
Other names: short protein forms E881G.
Identifiers: ClinVar variation 3748385 (VCV003748385.2).

ClinVar aggregate classification (germline): Uncertain significance (1 of 4 stars; one submission).

Conditions:
Ehlers-Danlos syndrome, classic type, 1 (EDSCL1). Also called: EHLERS-DANLOS SYNDROME, GRAVIS TYPE; EHLERS-DANLOS SYNDROME, SEVERE CLASSIC TYPE; Ehlers-Danlos syndrome, type 1; Ehlers-Danlos Syndrome, Classic Type, COL5A1-Related; EDS I. Identifiers: MedGen C0268335, MONDO:0019567, OMIM 130000.
Osteogenesis imperfecta type I (OI1). Also called: OI, TYPE I; OSTEOGENESIS IMPERFECTA TARDA; OSTEOGENESIS IMPERFECTA WITH BLUE SCLERAE; Osteogenesis imperfecta type 1; Lobstein's Disease; Lobstein disease. Identifiers: Orphanet 216796, Orphanet 666, MedGen C0023931, MONDO:0008146, OMIM 166200. Disease mechanism: loss of function.

Submission:

Labcorp Genetics (formerly Invitae), Labcorp
Classification: Uncertain significance for Osteogenesis imperfecta type I; Ehlers-Danlos syndrome, classic type, 1. Last evaluated: 2024-06-25. Review status: criteria provided, single submitter. Criteria: Invitae Variant Classification Sherloc (09022015). Collection method: clinical testing. Allele origin: germline.
Comment: This sequence change replaces glutamic acid, which is acidic and polar, with glycine, which is neutral and non-polar, at codon 881 of the COL1A2 protein (p.Glu881Gly). This variant is not present in population databases (gnomAD no frequency). This variant has not been reported in the literature in individuals affected with COL1A2-related conditions. Advanced modeling of protein sequence and biophysical properties (such as structural, functional, and spatial information, amino acid conservation, physicochemical variation, residue mobility, and thermodynamic stability) performed at Invitae indicates that this missense variant is not expected to disrupt COL1A2 protein function with a negative predictive value of 80%. In summary, the available evidence is currently insufficient to determine the role of this variant in disease. Therefore, it has been classified as a Variant of Uncertain Significance.